The following is an entry in ClinVar:

ClinVar aggregate classification (germline): Likely benign. Review status: criteria provided, multiple submitters, no conflicts (2 of 4 stars). 4 submissions from 4 submitters: Likely benign (3). 1 of the submissions does not count toward it. Last evaluated 2026-01-22.

Conditions:
NOTCH1-related disorder. Also called: NOTCH1-related condition; NOTCH1-related disorders.
Adams-Oliver syndrome 5 (AOS5). Identifiers: Orphanet 974, MedGen C4014970, MONDO:0014459, OMIM 616028.
Familial thoracic aortic aneurysm and aortic dissection (TAAD). Also called: Thoracic aortic aneurysms and dissections. Identifiers: Orphanet 91387, MedGen C4707243, MONDO:0019625.

Allele frequency attached by ClinVar (database versions not stated): ExAC 0.00014; gnomAD exomes 0.00017; ESP Exome Variant Server 0.00025; gnomAD 0.00040 and 0.00044; TOPMed 0.00047; 1000 Genomes Project 30x 0.00078; 1000 Genomes Project 0.00080.
gnomAD v4.1: 142 of 1,612,086 alleles (0.0088%); highest among the groups gnomAD compares: African/African-American, 0.15%; 2 homozygotes.

Submissions (4):

Labcorp Genetics (formerly Invitae), Labcorp
Classification: Likely benign for Adams-Oliver syndrome 5. Last evaluated: 2026-01-22. Review status: criteria provided, single submitter. Criteria: Invitae Variant Classification Sherloc (09022015). Collection method: clinical testing. Allele origin: germline.

Ambry Genetics
Classification: Likely benign for Familial thoracic aortic aneurysm and aortic dissection. Last evaluated: 2021-05-04. Review status: criteria provided, single submitter. Criteria: Ambry Variant Classification Scheme 2023. Collection method: clinical testing. Allele origin: germline.

GeneDx
Classification: Likely benign. Last evaluated: 2021-01-05. Review status: criteria provided, single submitter. Criteria: GeneDx Variant Classification Process June 2021. Collection method: clinical testing. Allele origin: germline. Affected: yes.

PreventionGenetics, part of Exact Sciences
Classification: Likely benign for NOTCH1-related condition. Last evaluated: 2023-01-31. Review status: no assertion criteria provided. Collection method: clinical testing. Allele origin: germline. Not counted in ClinVar's aggregate classification.
Comment: This variant is classified as likely benign based on ACMG/AMP sequence variant interpretation guidelines (Richards et al. 2015 PMID: 25741868, with internal and published modifications).

NM_017617.5(NOTCH1):c.4262A>G (p.Asn1421Ser)

Gene: NOTCH1 (notch receptor 1; minus strand). Cytogenetic location: 9q34.3.
Variant type: single nucleotide variant.
Coding change: c.4262A>G on transcript NM_017617.5 (MANE Select); coding-DNA position 4262, A replaced by G.
Protein change: p.Asn1421Ser; replaces asparagine 1421 with serine.
Molecular consequence: missense variant.
Genome position (GRCh38, 1-based): chr9:136,505,634, T>C on the plus strand (A>G on the coding strand, the complement: NOTCH1 is on the minus strand). VCF-style: chr9-136505634-T-C. GRCh37 (hg19) VCF-style: chr9-139400086-T-C.
Other names: c.4262A>G, p.Asn1421Ser (LRG_1122t1); c.4262A>G (NM_017617.4); short protein forms N1421S.
Identifiers: ClinVar variation 508351 (VCV000508351.20), dbSNP rs76473337, ClinGen allele CA5340658.